The following is an entry in ClinVar:

NM_001367624.2(ZNF469):c.10034G>A (p.Arg3345His)

Genes: ZNF469 (zinc finger protein 469; plus strand), LOC130059719 (ATAC-STARR-seq lymphoblastoid silent region 7848; plus strand). Cytogenetic location: 16q24.2.
Variant type: single nucleotide variant.
Coding change: c.10034G>A on transcript NM_001367624.2 (MANE Select); coding-DNA position 10034, G replaced by A.
Protein change: p.Arg3345His; replaces arginine 3345 with histidine.
Molecular consequence: missense variant.
Genome position (GRCh38, 1-based): chr16:88,437,504, G>A. VCF-style: chr16-88437504-G-A. GRCh37 (hg19) VCF-style: chr16-88503912-G-A.
Other names: NM_001127464.1:c.9950G>A; p.Arg3345His; short protein forms R3345H.
Identifiers: ClinVar variation 392331 (VCV000392331.17), dbSNP rs79339739, ClinGen allele CA8225471.

ClinVar aggregate classification (germline): Benign/Likely benign. Review status: criteria provided, multiple submitters, no conflicts (2 of 4 stars). 7 submissions from 7 submitters: Benign (6); Likely benign (1). Last evaluated 2026-02-13.

Conditions:
Cardiovascular phenotype. Identifiers: MedGen CN230736.
Brittle cornea syndrome 1 (BCS1). Also called: CORNEAL FRAGILITY, KERATOGLOBUS, BLUE SCLERAE, JOINT HYPEREXTENSIBILITY; EDS6B; FRAGILITAS OCULI WITH JOINT HYPEREXTENSIBILITY; Corneal fragility keratoglobus, blue sclerae AND joint hypermobility; DYSGENESIS MESODERMALIS CORNEAE ET SCLERAE. Identifiers: Orphanet 90354, MedGen C0268344, MONDO:0024543, OMIM 229200.

Allele frequency attached by ClinVar (database versions not stated): gnomAD exomes 0.00067 and 0.00155; ExAC 0.00121; 1000 Genomes Project 30x 0.00593; 1000 Genomes Project 0.00619; gnomAD 0.00741 and 0.00810; TOPMed 0.00840.
gnomAD v4.1: 2,097 of 1,540,734 alleles (0.14%); highest among the groups gnomAD compares: African/African-American, 2.5%; 17 homozygotes.

Submissions (7):

Women's Health and Genetics/Laboratory Corporation of America, LabCorp
Classification: Likely benign. Last evaluated: 2026-02-13. Review status: criteria provided, single submitter. Criteria: LabCorp Variant Classification Summary - May 2015. Collection method: clinical testing. Allele origin: germline.
Comment: Variant summary: ZNF469 c.10034G>A (p.Arg3345His) results in a non-conservative amino acid change in the encoded protein sequence. Algorithms developed to predict the effect of missense changes on protein structure and function are either unavailable or do not agree on the potential impact of this missense change. The variant allele was found at a frequency of 0.0016 in 137222 control chromosomes, predominantly at a frequency of 0.029 within the African or African-American subpopulation in the gnomAD database, including 4 homozygotes. The observed variant frequency within African or African-American control individuals in the gnomAD database exceeds the estimated maximal expected allele frequency for disease-causing variants in ZNF469. To our knowledge, no occurrence of c.10034G>A in individuals affected with ZNF469-related conditions and no experimental evidence demonstrating its impact on protein function have been reported. ClinVar contains an entry for this variant (Variation ID: 392331). Based on the evidence outlined above, the variant was classified as likely benign.

Labcorp Genetics (formerly Invitae), Labcorp
Classification: Benign. Last evaluated: 2026-02-02. Review status: criteria provided, single submitter. Criteria: Invitae Variant Classification Sherloc (09022015). Collection method: clinical testing. Allele origin: germline.

Mayo Clinic Laboratories, Mayo Clinic
Classification: Benign. Last evaluated: 2023-08-24. Review status: criteria provided, single submitter. Criteria: ACMG Guidelines, 2015. Collection method: clinical testing. Allele origin: germline. Observed: 7 variant alleles.
Comment: BS1, BS2, BP4

Genome-Nilou Lab
Classification: Benign for Brittle cornea syndrome 1. Last evaluated: 2021-12-05. Review status: criteria provided, single submitter. Criteria: ACMG Guidelines, 2015. Collection method: clinical testing. Allele origin: germline. Affected: no.

Ambry Genetics
Classification: Benign for Cardiovascular phenotype. Last evaluated: 2019-04-19. Review status: criteria provided, single submitter. Criteria: Ambry Variant Classification Scheme 2023. Collection method: clinical testing. Allele origin: germline.

GeneDx
Classification: Benign. Last evaluated: 2018-08-29. Review status: criteria provided, single submitter. Criteria: GeneDx Variant Classification Process June 2021. Collection method: clinical testing. Allele origin: germline. Affected: yes.

Breakthrough Genomics
Classification: Benign. Review status: criteria provided, single submitter. Criteria: ACMG Guidelines, 2015. Collection method: not provided. Allele origin: germline. Inheritance: Autosomal recessive inheritance. Affected: yes.